The following is an entry in ClinVar:

NM_000088.4(COL1A1):c.2236-1G>C

Gene: COL1A1 (collagen type I alpha 1 chain; minus strand). Cytogenetic location: 17q21.33.
Variant type: single nucleotide variant.
Coding change: c.2236-1G>C on transcript NM_000088.4 (MANE Select); the canonical splice acceptor site of the intron before coding-DNA position 2236, G replaced by C.
Molecular consequence: splice acceptor variant.
Genome position (GRCh38, 1-based): chr17:50,190,925, C>G on the plus strand (G>C on the coding strand, the complement: COL1A1 is on the minus strand). VCF-style: chr17-50190925-C-G. GRCh37 (hg19) VCF-style: chr17-48268286-C-G.
Identifiers: ClinVar variation 956964 (VCV000956964.10), dbSNP rs1907020116, ClinGen allele CA400210520.

ClinVar aggregate classification (germline): Pathogenic (1 of 4 stars; one submission).

Conditions:
Osteogenesis imperfecta type I (OI1). Also called: Lobstein's Disease; OI, TYPE I; OSTEOGENESIS IMPERFECTA TARDA; OSTEOGENESIS IMPERFECTA WITH BLUE SCLERAE; Lobstein disease; Osteogenesis imperfecta type 1. Identifiers: Orphanet 216796, Orphanet 666, MedGen C0023931, MONDO:0008146, OMIM 166200. Disease mechanism: loss of function.

Submission:

Labcorp Genetics (formerly Invitae), Labcorp
Classification: Pathogenic for Osteogenesis imperfecta type I. Last evaluated: 2019-07-05. Review status: criteria provided, single submitter. Criteria: Invitae Variant Classification Sherloc (09022015). Collection method: clinical testing. Allele origin: germline.
Comment: This sequence change affects an acceptor splice site in intron 32 of the COL1A1 gene. It is expected to disrupt RNA splicing and likely results in an absent or disrupted protein product. This variant is not present in population databases (ExAC no frequency). Disruption of this splice site has been observed in several individuals affected with osteogenesis imperfect type I (PMID: 27509835). Algorithms developed to predict the effect of sequence changes on RNA splicing suggest that this variant may disrupt the consensus splice site, but this prediction has not been confirmed by published transcriptional studies. Donor and acceptor splice site variants typically lead to a loss of protein function (PMID: 16199547), and loss-of-function variants in COL1A1 are known to be pathogenic (PMID: 7942841, 9295084, 9443882). For these reasons, this variant has been classified as Pathogenic.

Literature cited by the submitters: PubMed 27509835; PubMed 16199547; PubMed 7942841; PubMed 9295084; PubMed 9443882.